The following is an entry in ClinVar:

NM_194248.3(OTOF):c.1708C>T (p.Leu570=)

Gene: OTOF (otoferlin; minus strand). Cytogenetic location: 2p23.3.
Variant type: single nucleotide variant.
Coding change: c.1708C>T on transcript NM_194248.3 (MANE Select); coding-DNA position 1708, C replaced by T.
Protein change: p.Leu570=; no amino-acid change (leucine 570 retained).
Molecular consequence: synonymous variant.
Genome position (GRCh38, 1-based): chr2:26,480,881, G>A on the plus strand (C>T on the coding strand, the complement: OTOF is on the minus strand). VCF-style: chr2-26480881-G-A. GRCh37 (hg19) VCF-style: chr2-26703749-G-A.
Other names: c.1708C>T, p.Leu570= (NM_001287489.2).
Identifiers: ClinVar variation 513459 (VCV000513459.11), dbSNP rs138474867, ClinGen allele CA1564192.
Genomic context (GRCh38, chr2:26,480,881, plus strand): 5'-CTGTGGAGCTGGTGAGCTCAGGGTTGGAGGTGTCTACGATCTCCACAGCCAGGCCCAGCA[G>A]GAGCCGGGCCCGGAAGGACACACCCTCCCCCAGGCCCTCGTTCAGGTCCTGATGCTCATC-3'
Protein context (NP_919224.1, residues 560-580): GEGVSFRARL[Leu570=]LGLAVEIVDT

ClinVar aggregate classification (germline): Likely benign. Review status: criteria provided, multiple submitters, no conflicts (2 of 4 stars). 4 submissions from 4 submitters: Likely benign (3). 1 of the submissions does not count toward it. Last evaluated 2026-01-09.

Conditions:
OTOF-related disorder. Also called: OTOF-related condition.

Allele frequency attached by ClinVar (database versions not stated): gnomAD exomes 0.00004; ExAC 0.00006; ESP Exome Variant Server 0.00023; TOPMed 0.00035; gnomAD 0.00037 and 0.00039.
gnomAD v4.1: 91 of 1,612,836 alleles (0.0056%); highest among the groups gnomAD compares: African/African-American, 0.11%; no homozygotes.

Submissions (4):

Labcorp Genetics (formerly Invitae), Labcorp
Classification: Likely benign. Last evaluated: 2026-01-09. Review status: criteria provided, single submitter. Criteria: Invitae Variant Classification Sherloc (09022015). Collection method: clinical testing. Allele origin: germline.

Blueprint Genetics
Classification: Likely benign. Last evaluated: 2022-12-23. Review status: criteria provided, single submitter. Criteria: ACMG Guidelines, 2015. Collection method: clinical testing. Allele origin: germline.

GeneDx
Classification: Likely benign. Last evaluated: 2017-11-13. Review status: criteria provided, single submitter. Criteria: GeneDx Variant Classification (06012015). Collection method: clinical testing. Allele origin: germline. Affected: yes.
Comment: This variant is considered likely benign or benign based on one or more of the following criteria: it is a conservative change, it occurs at a poorly conserved position in the protein, it is predicted to be benign by multiple in silico algorithms, and/or has population frequency not consistent with disease.

PreventionGenetics, part of Exact Sciences
Classification: Likely benign for OTOF-related condition. Last evaluated: 2019-07-11. Review status: no assertion criteria provided. Collection method: clinical testing. Allele origin: germline. Not counted in ClinVar's aggregate classification.
Comment: This variant is classified as likely benign based on ACMG/AMP sequence variant interpretation guidelines (Richards et al. 2015 PMID: 25741868, with internal and published modifications).